The following is an entry in ClinVar:

ClinVar aggregate classification (germline): Likely benign (1 of 4 stars; one submission).

Allele frequency attached by ClinVar (database versions not stated): ESP Exome Variant Server 0.00022; TOPMed 0.00030; gnomAD 0.00034; gnomAD exomes 0.00037; ExAC 0.00045.
gnomAD v4.1: 571 of 1,550,852 alleles (0.037%); highest among the groups gnomAD compares: Middle Eastern, 0.4%; 1 homozygote.

Submission:

CeGaT Center for Human Genetics Tuebingen
Classification: Likely benign. Last evaluated: 2022-12-01. Review status: criteria provided, single submitter. Criteria: CeGaT Center For Human Genetics Tuebingen Variant Classification Criteria Version 2. Collection method: clinical testing. Allele origin: germline. Affected: yes. Observed: 1 variant allele.
Comment: EML6: BP4, BP7

NM_001039753.4(EML6):c.4545C>T (p.Arg1515=)

Gene: EML6 (EMAP like 6; plus strand). Cytogenetic location: 2p16.1.
Variant type: single nucleotide variant.
Coding change: c.4545C>T on transcript NM_001039753.4 (MANE Select); coding-DNA position 4545, C replaced by T.
Protein change: p.Arg1515=; no amino-acid change (arginine 1515 retained).
Molecular consequence: synonymous variant.
Genome position (GRCh38, 1-based): chr2:54,957,848, C>T. VCF-style: chr2-54957848-C-T. GRCh37 (hg19) VCF-style: chr2-55184985-C-T.
Identifiers: ClinVar variation 2650939 (VCV002650939.24), dbSNP rs374215426, ClinGen allele CA1662608.
Genomic context (GRCh38, chr2:54,957,848, plus strand): 5'-AGGTGCCAAGGTTGCCAGCCGAGGGGGTCACCTGGAGCGCATATTTGTGGTGGAATTTCG[C>T]CCCGACTCAGACACGCAGTTTGTATCTGTCGGGGTCAAACATATGAAGTTCTGGACCCTG-3'
Protein context (NP_001034842.2, residues 1505-1525): HLERIFVVEF[Arg1515=]PDSDTQFVSV